The following is an entry in ClinVar:

ClinVar aggregate classification (germline): Uncertain significance (1 of 4 stars; one submission).

Submission:

Ambry Genetics
Classification: Uncertain significance. Last evaluated: 2024-08-21. Review status: criteria provided, single submitter. Criteria: Ambry Variant Classification Scheme 2023. Collection method: clinical testing. Allele origin: germline.
Comment: The p.I215M variant (also known as c.645T>G), located in coding exon 4 of the IDH1 gene, results from a T to G substitution at nucleotide position 645. The isoleucine at codon 215 is replaced by methionine, an amino acid with highly similar properties. This amino acid position is conserved. In addition, this alteration is predicted to be deleterious by in silico analysis. Based on the available evidence, the clinical significance of this variant remains unclear.

NM_005896.4(IDH1):c.645T>G (p.Ile215Met)

Gene: IDH1 (isocitrate dehydrogenase (NADP(+)) 1; minus strand). Cytogenetic location: 2q34.
Variant type: single nucleotide variant.
Coding change: c.645T>G on transcript NM_005896.4 (MANE Select); coding-DNA position 645, T replaced by G.
Protein change: p.Ile215Met; replaces isoleucine 215 with methionine.
Molecular consequence: missense variant.
Genome position (GRCh38, 1-based): chr2:208,243,480, A>C on the plus strand (T>G on the coding strand, the complement: IDH1 is on the minus strand). VCF-style: chr2-208243480-A-C. GRCh37 (hg19) VCF-style: chr2-209108204-A-C.
Other names: c.645T>G, p.Ile215Met (NM_001282386.1, NM_001282387.1); short protein forms I215M.
Identifiers: ClinVar variation 3527509 (VCV003527509.1).